The following is an entry in ClinVar:

ClinVar aggregate classification (germline): Uncertain significance. Review status: criteria provided, single submitter (1 of 4 stars). 2 submissions from 2 submitters: Uncertain significance (1). 1 of the submissions does not count toward it. Last evaluated 2024-05-24.

Conditions:
Hereditary cancer-predisposing syndrome. Also called: Tumor predisposition; Hereditary neoplastic syndrome; Neoplastic Syndromes, Hereditary; Hereditary Cancer Syndrome. Identifiers: Orphanet 140162, MedGen C0027672, MeSH D009386, MONDO:0015356.

Submissions (2):

Ambry Genetics
Classification: Uncertain significance for Hereditary cancer-predisposing syndrome. Last evaluated: 2024-05-24. Review status: criteria provided, single submitter. Criteria: Ambry Variant Classification Scheme 2023. Collection method: clinical testing. Allele origin: germline.
Comment: The p.A15P variant (also known as c.43G>C), located in coding exon 1 of the RB1 gene, results from a G to C substitution at nucleotide position 43. The alanine at codon 15 is replaced by proline, an amino acid with highly similar properties. This amino acid position is well conserved in available vertebrate species. In addition, this alteration is predicted to be tolerated by in silico analysis. Based on the available evidence, the clinical significance of this variant remains unclear.

ITMI
No classification provided. Condition: AllHighlyPenetrant. Last evaluated: 2013-09-19. Review status: no classification provided. Collection method: reference population. Allele origin: germline. Not counted in ClinVar's aggregate classification.
Comment: Please see associated publication for description of ethnicities

Literature cited by the submitters: PubMed 24728327 (cited by ITMI).

NM_000321.3(RB1):c.43G>C (p.Ala15Pro)

Gene: RB1 (RB transcriptional corepressor 1; plus strand). Cytogenetic location: 13q14.2.
Variant type: single nucleotide variant.
Coding change: c.43G>C on transcript NM_000321.3 (MANE Select); coding-DNA position 43, G replaced by C.
Protein change: p.Ala15Pro; replaces alanine 15 with proline.
Molecular consequence: missense variant.
Genome position (GRCh38, 1-based): chr13:48,303,955, G>C. VCF-style: chr13-48303955-G-C. GRCh37 (hg19) VCF-style: chr13-48878091-G-C.
Other names: c.43G>C (NM_000321.2); short protein forms A15P.
Identifiers: ClinVar variation 135116 (VCV000135116.2), dbSNP rs587778638, ClinGen allele CA026457.